The following is an entry in ClinVar:

ClinVar aggregate classification (germline): Uncertain significance (1 of 4 stars; one submission).

Submission:

Mayo Clinic Laboratories, Mayo Clinic
Classification: Uncertain significance. Last evaluated: 2025-03-21. Review status: criteria provided, single submitter. Criteria: ACMG Guidelines, 2015. Collection method: clinical testing. Allele origin: germline. Observed: 1 variant allele.
Comment: PP2, PM1, PM2_supporting

NM_001130004.2(ACTN1):c.1993G>C (p.Glu665Gln)

Gene: ACTN1 (actinin alpha 1; minus strand). Cytogenetic location: 14q24.1.
Variant type: single nucleotide variant.
Coding change: c.1993G>C on transcript NM_001130004.2 (MANE Select); coding-DNA position 1993, G replaced by C.
Protein change: p.Glu665Gln; replaces glutamic acid 665 with glutamine.
Molecular consequence: missense variant.
Genome position (GRCh38, 1-based): chr14:68,880,950, C>G on the plus strand (G>C on the coding strand, the complement: ACTN1 is on the minus strand). VCF-style: chr14-68880950-C-G. GRCh37 (hg19) VCF-style: chr14-69347667-C-G.
Other names: p.Glu665Gln; c.1993G>C, p.Glu665Gln (NM_001102.4, NM_001130005.2, NM_001424012.1 and 2 more transcripts); c.2017G>C, p.Glu673Gln (NM_001411035.1, NM_001424016.1); c.1798G>C, p.Glu600Gln (NM_001411036.1, NM_001424026.1, NM_001424028.1); c.2119G>C, p.Glu707Gln (NM_001424013.1); c.1810G>C, p.Glu604Gln (NM_001424025.1, NM_001424027.1, NM_001424029.1 and 2 more transcripts); c.1168G>C, p.Glu390Gln (NM_001424030.1); c.2080G>C, p.Glu694Gln (NM_001424015.1); and 4 more; short protein forms E390Q, E604Q, E642Q, E665Q, E664Q, E694Q, E600Q, E652Q.
Identifiers: ClinVar variation 4541876 (VCV004541876.1).
Genomic context (GRCh38, chr14:68,880,950, plus strand): 5'-TCTTTGGCTTGTAGTTGACGATGCTCTTCTCATACTGCCGCAGGTGGCTGAGCTGGTCCT[C>G]CAGGGTCCCATGCATCTCAATGGAGATCCTCCCGATCTCCTGCTCACCGGGAAGGAAGCA-3'
Protein context (NP_001123476.1, residues 655-675): RISIEMHGTL[Glu665Gln]DQLSHLRQYE